The following is an entry in ClinVar:

ClinVar aggregate classification (germline): Uncertain significance (1 of 4 stars; one submission).

Conditions:
Cardiovascular phenotype. Identifiers: MedGen CN230736.
Hereditary cancer-predisposing syndrome. Also called: Neoplastic Syndromes, Hereditary; Tumor predisposition; Hereditary Cancer Syndrome; Hereditary neoplastic syndrome. Identifiers: Orphanet 140162, MedGen C0027672, MeSH D009386, MONDO:0015356.

Submission:

Ambry Genetics
Classification: Uncertain significance for Cardiovascular phenotype; Hereditary cancer-predisposing syndrome. Last evaluated: 2026-04-10. Review status: criteria provided, single submitter. Criteria: Ambry Variant Classification Scheme 2023. Collection method: clinical testing. Allele origin: germline.
Comment: The c.6150_6152delACA variant (also known as p.Q2050del) is located in coding exon 41 of the NF1 gene. This variant results from an in-frame ACA deletion at nucleotide positions 6150 to 6152. This results in the in-frame deletion of a glutamine at codon 2050. This amino acid position is highly conserved in available vertebrate species. In addition, this variant is predicted to be deleterious by in silico analysis (Choi Y et al. PLoS ONE. 2012; 7(10):e46688). Based on the available evidence, the clinical significance of this variant remains unclear.

NM_001042492.3(NF1):c.6210ACA[1] (p.Gln2071del)

Gene: NF1 (neurofibromin 1; plus strand). Cytogenetic location: 17q11.2.
Variant type: Microsatellite.
Coding change: c.6210ACA[1] on transcript NM_001042492.3 (MANE Select); one copy of the 3-base unit ACA starting at c.6210; the reference has two copies in a row; one copy, 3 bases deleted.
Protein change: p.Gln2071del; deletes glutamine 2071.
Molecular consequence: inframe deletion. On other transcripts: inframe indel (2).
Genome position (GRCh38, 1-based): chr17:31,336,700-31,336,702, ACA deleted; deleting any 3 consecutive bases within chr17:31,336,696-31,336,702 gives the same sequence; the position shown is the placement nearest the transcript's 3' end. VCF-style (leftmost placement, unchanged base first): chr17-31336695-GAAC-G. GRCh37 (hg19) VCF-style: chr17-29663713-GAAC-G.
Other names: c.6147_6149ACA[1], p.Gln2050del (NM_000267.3); c.6147ACA[1], p.Gln2050del (NM_000267.4); c.6150_6152delACA (NM_000267.3); short protein forms Q2050del, Q2071del.
Identifiers: ClinVar variation 4860903 (VCV004860903.1).